The following is an entry in ClinVar:

ClinVar aggregate classification (germline): no classifications from unflagged records (0 of 4 stars; one submission).

Submission:

Bionano Laboratories
Classification: Uncertain significance. Last evaluated: 2018-07-12. Review status: flagged submission. Collection method: clinical testing. Allele origin: unknown.
ClinVar note: Notes: This submission was flagged because its interpretation of this variant conflicts with the ClinGen Gene Dosage Map curation for the gene NR4A2.
ClinVar note: Reason: Conflict with ClinGen Gene Dosage Map

GRCh37/hg19 2q24.1(chr2:156976385-157350281)x1

Genes: GPD2 (glycerol-3-phosphate dehydrogenase 2; plus strand), NR4A2 (nuclear receptor subfamily 4 group A member 2; minus strand). Cytogenetic location: 2q24.1.
Variant type: copy number loss.
Change: copy number 1 (one copy instead of two) of chr2:156,976,385-157,350,281 (373.9 kb, GRCh37 coordinates, 1-based), cytogenetic band 2q24.1.
Identifiers: ClinVar variation 688121 (VCV000688121.3).